The following is an entry in ClinVar:

NM_015100.4(POGZ):c.2616del (p.Asn872fs)

Gene: POGZ (pogo transposable element derived with ZNF domain; minus strand). Cytogenetic location: 1q21.3.
Variant type: Deletion.
Coding change: c.2616del on transcript NM_015100.4 (MANE Select); coding-DNA position 2616, one base deleted (T; older notation c.2616delT).
Protein change: p.Asn872fs; shifts the reading frame from asparagine 872.
Molecular consequence: frameshift variant.
Genome position (GRCh38, 1-based): chr1:151,406,419, A deleted on the plus strand (T on the coding strand, the reverse complement: POGZ is on the minus strand). VCF-style (leftmost placement, unchanged base first): chr1-151406418-TA-T. GRCh37 (hg19) VCF-style: chr1-151378894-TA-T.
Other names: c.2589del, p.Asn863fs (NM_001194937.2); c.2430del, p.Asn810fs (NM_001194938.2); c.2331del, p.Asn777fs (NM_145796.4); c.2457del, p.Asn819fs (NM_207171.2); short protein forms N777fs, N819fs, N863fs, N810fs, N872fs.
Identifiers: ClinVar variation 419656 (VCV000419656.2), dbSNP rs1064794021, ClinGen allele CA16616970.

ClinVar aggregate classification (germline): Pathogenic (1 of 4 stars; one submission).

Submission:

GeneDx
Classification: Pathogenic. Last evaluated: 2015-09-03. Review status: criteria provided, single submitter. Criteria: GeneDx Variant Classification (06012015). Collection method: clinical testing. Allele origin: germline. Affected: yes.
Comment: The c.2616delT deletion in the POGZ gene has not been reported previously as a pathogenic variant nor as a benign polymorphism, to our knowledge. The c.2616delT deletion causes a frameshiftstarting with codon Asparagine 872, changes this amino acid to a Lysine residue, and creates a prematureStop codon at position 16 of the new reading frame, denoted p.Asn872LysfsX16. This deletion ispredicted to cause loss of normal protein function through protein truncation. The c.2616delT variant wasnot observed in approximately 6,500 individuals of European and African American ancestry in the NHLBIExome Sequencing Project, indicating it is not a common benign variant in these populations. We interpretc.2616delT as a pathogenic variant.